The following is an entry in ClinVar:

NM_001378687.1(ATP2C1):c.1818G>T (p.Gln606His)

Gene: ATP2C1 (ATPase secretory pathway Ca2+ transporting 1; plus strand). Cytogenetic location: 3q22.1.
Variant type: single nucleotide variant.
Coding change: c.1818G>T on transcript NM_001378687.1 (MANE Select); coding-DNA position 1818, G replaced by T.
Protein change: p.Gln606His; replaces glutamine 606 with histidine.
Molecular consequence: missense variant.
Genome position (GRCh38, 1-based): chr3:130,980,658, G>T. VCF-style: chr3-130980658-G-T. GRCh37 (hg19) VCF-style: chr3-130699502-G-T.
Other names: c.1818G>T, p.Gln606His (NM_001001485.3, NM_001001486.2, NM_001001487.2 and 5 more transcripts); c.1920G>T, p.Gln640His (NM_001199180.2, NM_001199181.3, NM_001378511.1); c.1803G>T, p.Gln601His (NM_001199182.2); c.1770G>T, p.Gln590His (NM_001199183.2, NM_001199184.3, NM_001378514.1); short protein forms Q590H, Q601H, Q606H, Q640H.
Identifiers: ClinVar variation 3600416 (VCV003600416.1).
Genomic context (GRCh38, chr3:130,980,658, plus strand): 5'-GTATTCCAAAACTTCCCAGTCAGTCTCAGGAGAAGAAATAGATGCAATGGATGTTCAGCA[G>T]CTTTCACAAATAGTACCAAAGGTAGGCCTAAACTAAAGCCTTTTGGACTGAAAGGCCTTA-3'
Protein context (NP_001365616.1, residues 596-616): GEEIDAMDVQ[Gln606His]LSQIVPKVAV

ClinVar aggregate classification (germline): Uncertain significance (1 of 4 stars; one submission).

Conditions:
Familial benign pemphigus (HHD). Identifiers: Orphanet 2841, MedGen C0085106, MONDO:0008218, OMIM 169600.

gnomAD v4.1: 21 of 1,613,082 alleles (0.0013%); highest among the groups gnomAD compares: African/African-American, 0.023%; no homozygotes.

Submission:

Clinical Genomics Laboratory, Washington University in St. Louis
Classification: Uncertain significance for Familial benign pemphigus. Last evaluated: 2024-07-16. Review status: criteria provided, single submitter. Criteria: ACMG Guidelines, 2015. Collection method: clinical testing. Allele origin: germline.
Comment: An ATP2C1 c.1818G>T (p.Gln606His) variant was identified at a near heterozygous allelic fraction of 48.5%, a frequency which may be consistent with germline origin. This variant, to our knowledge, has not been reported in the medical literature. This variant is observed on 21/1,613,082 alleles in the general population (gnomAD v.4.1.0). Another variant at thi position, ATP2C1 c.1816C>T (p.Gln606*), which results in a premature termination codon, has been reported in an individual with Hailey-Hailey disease (Dobson-Stone C et al., PMID: 11841554). Computational predictors are uncertain as to the impact of this variant on ATP2C1 function. Due to limited information, and based on ACMG/AMP guidelines for variant interpretation (Richards S et al., PMID: 25741868), the clinical significance of the ATP2C1 c.1818G>T (p.Gln606His) variant is uncertain at this time.